The following is an entry in ClinVar:

ClinVar aggregate classification (germline): Conflicting classifications of pathogenicity. Review status: criteria provided, conflicting classifications (1 of 4 stars). 8 submissions from 7 submitters: Uncertain significance (1); Benign (5); Likely benign (1). 1 of the submissions does not count toward it. Last evaluated 2026-01-25.

Conditions:
Mitochondrial complex I deficiency, nuclear type 5. Also called: Mitochondrial complex 1 deficiency, nuclear type 5. Identifiers: MedGen C4748754, MONDO:0032610, OMIM 618226.
Mitochondrial complex I deficiency, nuclear type 1. Also called: NADH-COENZYME Q REDUCTASE DEFICIENCY; MITOCHONDRIAL NADH DEHYDROGENASE COMPONENT OF COMPLEX I, DEFICIENCY OF. Identifiers: MedGen C6022305, MONDO:0100224, OMIM 252010.
Leigh syndrome (NULS). Also called: Leigh's necrotizing encephalopathy; Leigh's disease; Leigh's syndrome; Leigh Disease; Subacute necrotizing encephalopathy; Necrotizing encephalopathy infantile subacute of Leigh. Identifiers: Orphanet 506, MedGen C2931891, MONDO:0009723, OMIM 256000.

Allele frequency attached by ClinVar (database versions not stated): ExAC 0.01120; gnomAD 0.01121 and 0.01123; gnomAD exomes 0.01128 and 0.01631; TOPMed 0.01264; ESP Exome Variant Server 0.01369; 1000 Genomes Project 30x 0.00468; 1000 Genomes Project 0.00519.

Submissions 1 to 27 of 44:

Labcorp Genetics (formerly Invitae), Labcorp
Classification: Benign. Last evaluated: 2026-01-25. Review status: criteria provided, single submitter. Criteria: Invitae Variant Classification Sherloc (09022015). Collection method: clinical testing. Allele origin: germline.

Blueprint Genetics
Classification: Benign. Last evaluated: 2024-11-26. Review status: criteria provided, single submitter. Criteria: ACMG Guidelines, 2015. Collection method: clinical testing. Allele origin: germline.

ARUP Laboratories, Molecular Genetics and Genomics, ARUP Laboratories
Classification: Benign for Mitochondrial complex I deficiency, nuclear type 5. Last evaluated: 2023-10-26. Review status: criteria provided, single submitter. Criteria: ARUP Molecular Germline Variant Investigation Process 2024. Collection method: clinical testing. Allele origin: germline.

Illumina Laboratory Services, Illumina
Classification: Uncertain significance for Mitochondrial complex I deficiency, nuclear type 1. Last evaluated: 2018-01-12. Review status: criteria provided, single submitter. Criteria: ICSL Variant Classification Criteria 13 December 2019. Collection method: clinical testing. Allele origin: germline.

Illumina Laboratory Services, Illumina
Classification: Likely benign for Leigh syndrome. Last evaluated: 2018-01-12. Review status: criteria provided, single submitter. Criteria: ICSL Variant Classification Criteria 13 December 2019. Collection method: clinical testing. Allele origin: germline.
Comment: This variant was observed in the ICSL laboratory as part of a predisposition screen in an ostensibly healthy population. It had not been previously curated by ICSL or reported in the Human Gene Mutation Database (HGMD: prior to June 1st, 2018), and was therefore a candidate for classification through an automated scoring system. Utilizing variant allele frequency, disease prevalence and penetrance estimates, and inheritance mode, an automated score was calculated to assess if this variant is too frequent to cause the disease. Based on the score and internal cut-off values, a variant classified as likely benign is not then subjected to further curation. The score for this variant resulted in a classification of likely benign for this disease.

GeneDx
Classification: Benign. Last evaluated: 2014-03-03. Review status: criteria provided, single submitter. Criteria: GeneDx Variant Classification (06012015). Collection method: clinical testing. Allele origin: germline. Affected: yes.
Comment: This variant is considered likely benign or benign based on one or more of the following criteria: it is a conservative change, it occurs at a poorly conserved position in the protein, it is predicted to be benign by multiple in silico algorithms, and/or has population frequency not consistent with disease.

PreventionGenetics, part of Exact Sciences
Classification: Benign. Review status: criteria provided, single submitter. Criteria: ACMG Guidelines, 2015. Collection method: clinical testing. Allele origin: germline.

Mayo Clinic Laboratories, Mayo Clinic
Classification: Benign. Last evaluated: 2016-03-11. Review status: no assertion criteria provided. Collection method: clinical testing. Allele origin: unknown. Not counted in ClinVar's aggregate classification.

Dr. Peter K. Rogan Lab, Western University
No classification provided (evidence only). Condition: Clear cell carcinoma of kidney. Review status: no classification provided. Collection method: in vitro. Allele origin: not applicable. Functional consequence: skipped exon. Not counted in ClinVar's aggregate classification.

Dr. Peter K. Rogan Lab, Western University
No classification provided (evidence only). Condition: Clear cell carcinoma of kidney. Review status: no classification provided. Collection method: in vitro. Allele origin: not applicable. Functional consequence: skipped exon. Not counted in ClinVar's aggregate classification.

Dr. Peter K. Rogan Lab, Western University
No classification provided (evidence only). Condition: Lung cancer. Review status: no classification provided. Collection method: in vitro. Allele origin: not applicable. Functional consequence: retained intron. Not counted in ClinVar's aggregate classification.

Dr. Peter K. Rogan Lab, Western University
No classification provided (evidence only). Condition: Lung cancer. Review status: no classification provided. Collection method: in vitro. Allele origin: not applicable. Functional consequence: retained intron. Not counted in ClinVar's aggregate classification.

Dr. Peter K. Rogan Lab, Western University
No classification provided (evidence only). Condition: Lung cancer. Review status: no classification provided. Collection method: in vitro. Allele origin: not applicable. Functional consequence: skipped exon. Not counted in ClinVar's aggregate classification.

Dr. Peter K. Rogan Lab, Western University
No classification provided (evidence only). Condition: Melanoma. Review status: no classification provided. Collection method: in vitro. Allele origin: not applicable. Functional consequence: skipped exon. Not counted in ClinVar's aggregate classification.

Dr. Peter K. Rogan Lab, Western University
No classification provided (evidence only). Condition: Melanoma. Review status: no classification provided. Collection method: in vitro. Allele origin: not applicable. Functional consequence: skipped exon. Not counted in ClinVar's aggregate classification.

Dr. Peter K. Rogan Lab, Western University
No classification provided (evidence only). Condition: Melanoma. Review status: no classification provided. Collection method: in vitro. Allele origin: not applicable. Functional consequence: retained intron. Not counted in ClinVar's aggregate classification.

Dr. Peter K. Rogan Lab, Western University
No classification provided (evidence only). Condition: Acute myeloid leukemia. Review status: no classification provided. Collection method: in vitro. Allele origin: not applicable. Functional consequence: retained intron. Not counted in ClinVar's aggregate classification.

Dr. Peter K. Rogan Lab, Western University
No classification provided (evidence only). Condition: Colon adenocarcinoma. Review status: no classification provided. Collection method: in vitro. Allele origin: not applicable. Functional consequence: skipped exon. Not counted in ClinVar's aggregate classification.

Dr. Peter K. Rogan Lab, Western University
No classification provided (evidence only). Condition: Colorectal cancer. Review status: no classification provided. Collection method: in vitro. Allele origin: not applicable. Functional consequence: skipped exon. Not counted in ClinVar's aggregate classification.

Dr. Peter K. Rogan Lab, Western University
No classification provided (evidence only). Condition: Colorectal cancer. Review status: no classification provided. Collection method: in vitro. Allele origin: not applicable. Functional consequence: skipped exon. Not counted in ClinVar's aggregate classification.

Dr. Peter K. Rogan Lab, Western University
No classification provided (evidence only). Condition: Thyroid cancer, nonmedullary, 1. Review status: no classification provided. Collection method: in vitro. Allele origin: not applicable. Functional consequence: skipped exon. Not counted in ClinVar's aggregate classification.

Dr. Peter K. Rogan Lab, Western University
No classification provided (evidence only). Condition: Thyroid cancer, nonmedullary, 1. Review status: no classification provided. Collection method: in vitro. Allele origin: not applicable. Functional consequence: skipped exon. Not counted in ClinVar's aggregate classification.

Dr. Peter K. Rogan Lab, Western University
No classification provided (evidence only). Condition: Thyroid cancer, nonmedullary, 1. Review status: no classification provided. Collection method: in vitro. Allele origin: not applicable. Functional consequence: skipped exon, retained intron. Not counted in ClinVar's aggregate classification.

Dr. Peter K. Rogan Lab, Western University
No classification provided (evidence only). Condition: Thyroid cancer, nonmedullary, 1. Review status: no classification provided. Collection method: in vitro. Allele origin: not applicable. Functional consequence: skipped exon. Not counted in ClinVar's aggregate classification.

Dr. Peter K. Rogan Lab, Western University
No classification provided (evidence only). Condition: Thyroid cancer, nonmedullary, 1. Review status: no classification provided. Collection method: in vitro. Allele origin: not applicable. Functional consequence: skipped exon. Not counted in ClinVar's aggregate classification.

Dr. Peter K. Rogan Lab, Western University
No classification provided (evidence only). Condition: Thyroid cancer, nonmedullary, 1. Review status: no classification provided. Collection method: in vitro. Allele origin: not applicable. Functional consequence: retained intron. Not counted in ClinVar's aggregate classification.

Dr. Peter K. Rogan Lab, Western University
No classification provided (evidence only). Condition: Thyroid cancer, nonmedullary, 1. Review status: no classification provided. Collection method: in vitro. Allele origin: not applicable. Functional consequence: skipped exon. Not counted in ClinVar's aggregate classification.

NM_005006.7(NDUFS1):c.1371G>A (p.Ser457=)

Gene: NDUFS1 (NADH:ubiquinone oxidoreductase core subunit S1; minus strand). Cytogenetic location: 2q33.3.
Variant type: single nucleotide variant.
Coding change: c.1371G>A on transcript NM_005006.7 (MANE Select); coding-DNA position 1371, G replaced by A.
Protein change: p.Ser457=; no amino-acid change (serine 457 retained).
Molecular consequence: synonymous variant.
Genome position (GRCh38, 1-based): chr2:206,138,506, C>T on the plus strand (G>A on the coding strand, the complement: NDUFS1 is on the minus strand). VCF-style: chr2-206138506-C-T. GRCh37 (hg19) VCF-style: chr2-207003230-C-T.
Other names: p.S457S:TCG>TCA; c.1263G>A, p.Ser421= (NM_001199981.2); c.1038G>A, p.Ser346= (NM_001199982.2); c.1200G>A, p.Ser400= (NM_001199983.2); c.1413G>A, p.Ser471= (NM_001199984.2).
Identifiers: ClinVar variation 138480 (VCV000138480.27), dbSNP rs2230892, ClinGen allele CA292489.
Genomic context (GRCh38, chr2:206,138,506, plus strand): 5'-AAAAATCAACAAGAGTAGATACACATAAGTTGAGAGCACCTGGCTAAATGGATGGCTTCC[C>T]GAAGCAATGTCTTGAAGAATTTTGGGGGAGTCTCCCAGGTGGTCATATGTGTAAGTGAGG-3'
Protein context (NP_004997.4, residues 447-467): DSPKILQDIA[Ser457=]GSHPFSQVLK